The following is an entry in ClinVar:

ClinVar aggregate classification (germline): Pathogenic (1 of 4 stars; one submission).

Submission:

Labcorp Genetics (formerly Invitae), Labcorp
Classification: Pathogenic. Last evaluated: 2024-06-28. Review status: criteria provided, single submitter. Criteria: Invitae Variant Classification Sherloc (09022015). Collection method: clinical testing. Allele origin: germline.
Comment: This sequence change creates a premature translational stop signal (p.Trp92*) in the RS1 gene. It is expected to result in an absent or disrupted protein product. Loss-of-function variants in RS1 are known to be pathogenic (PMID: 9618178, 17172462). This variant is not present in population databases (gnomAD no frequency). This premature translational stop signal has been observed in individual(s) with X-linked juvenile retinoschisis (PMID: 34828422). For these reasons, this variant has been classified as Pathogenic.

Literature cited by the submitters: PubMed 9618178; PubMed 17172462; PubMed 34828422.

NM_000330.4(RS1):c.275G>A (p.Trp92Ter)

Genes: CDKL5 (cyclin dependent kinase like 5; plus strand), RS1 (retinoschisin 1; minus strand). Cytogenetic location: Xp22.13.
Variant type: single nucleotide variant.
Coding change: c.275G>A on transcript NM_000330.4 (MANE Select); coding-DNA position 275, G replaced by A.
Protein change: p.Trp92Ter; replaces tryptophan 92 with a stop codon.
Molecular consequence: nonsense. On other transcripts: intron variant (2).
Genome position (GRCh38, 1-based): chrX:18,647,242, C>T on the plus strand (G>A on the coding strand, the complement: RS1 is on the minus strand). VCF-style: chrX-18647242-C-T. GRCh37 (hg19) VCF-style: chrX-18665362-C-T.
Other names: c.2797+1152C>T (NM_003159.3, NM_001037343.2); short protein forms W92*.
Identifiers: ClinVar variation 3645037 (VCV003645037.2).